The following is an entry in ClinVar:

ClinVar aggregate classification (germline): Uncertain significance. Review status: criteria provided, multiple submitters, no conflicts (2 of 4 stars). 2 submissions from 2 submitters: Uncertain significance (2). Last evaluated 2025-09-02.

Conditions:
Gastrointestinal stromal tumor. Also called: Gastrointestinal stromal tumor, somatic; Gastrointestinal stroma tumor. Identifiers: Orphanet 44890, MedGen C0238198, MeSH D046152, MONDO:0011719, OMIM 606764, HP:0100723.
Hereditary cancer-predisposing syndrome. Also called: Neoplastic Syndromes, Hereditary; Tumor predisposition; Hereditary Cancer Syndrome; Hereditary neoplastic syndrome. Identifiers: Orphanet 140162, MedGen C0027672, MeSH D009386, MONDO:0015356.

Submissions (2):

Ambry Genetics
Classification: Uncertain significance for Hereditary cancer-predisposing syndrome. Last evaluated: 2025-09-02. Review status: criteria provided, single submitter. Criteria: Ambry Variant Classification Scheme 2023. Collection method: clinical testing. Allele origin: germline.
Comment: The c.2570T>A (p.I857N) alteration is located in exon 18 (coding exon 18) of the KIT gene. This alteration results from a T to A substitution at nucleotide position 2570, causing the isoleucine (I) at amino acid position 857 to be replaced by an asparagine (N). This variant was not reported in population-based cohorts in the Genome Aggregation Database (gnomAD). This amino acid position is highly conserved in available vertebrate species. This alteration is predicted to be deleterious by in silico analysis. Based on insufficient or conflicting evidence, the clinical significance of this alteration remains unclear.

Labcorp Genetics (formerly Invitae), Labcorp
Classification: Uncertain significance for Gastrointestinal stromal tumor. Last evaluated: 2024-01-09. Review status: criteria provided, single submitter. Criteria: Invitae Variant Classification Sherloc (09022015). Collection method: clinical testing. Allele origin: germline.
Comment: This sequence change replaces isoleucine, which is neutral and non-polar, with asparagine, which is neutral and polar, at codon 857 of the KIT protein (p.Ile857Asn). This variant is not present in population databases (gnomAD no frequency). This variant has not been reported in the literature in individuals affected with KIT-related conditions. An algorithm developed to predict the effect of missense changes on protein structure and function (PolyPhen-2) suggests that this variant is likely to be disruptive. In summary, the available evidence is currently insufficient to determine the role of this variant in disease. Therefore, it has been classified as a Variant of Uncertain Significance.

NM_000222.3(KIT):c.2570T>A (p.Ile857Asn)

Gene: KIT (KIT proto-oncogene, receptor tyrosine kinase; plus strand). Cytogenetic location: 4q12.
Variant type: single nucleotide variant.
Coding change: c.2570T>A on transcript NM_000222.3 (MANE Select); coding-DNA position 2570, T replaced by A.
Protein change: p.Ile857Asn; replaces isoleucine 857 with asparagine.
Molecular consequence: missense variant.
Genome position (GRCh38, 1-based): chr4:54,736,583, T>A. VCF-style: chr4-54736583-T-A. GRCh37 (hg19) VCF-style: chr4-55602749-T-A.
Other names: c.2558T>A, p.Ile853Asn (NM_001093772.2, NM_001385292.1); c.2573T>A, p.Ile858Asn (NM_001385284.1); c.2567T>A, p.Ile856Asn (NM_001385285.1); c.2555T>A, p.Ile852Asn (NM_001385286.1); c.2561T>A, p.Ile854Asn (NM_001385288.1); c.2570T>A, p.Ile857Asn (NM_001385290.1); short protein forms I853N, I854N, I852N, I858N, I856N, I857N.
Identifiers: ClinVar variation 2708575 (VCV002708575.5), dbSNP rs2475582854, ClinGen allele CA356913319.